The following is an entry in ClinVar:

ClinVar aggregate classification (germline): Likely benign. Review status: criteria provided, multiple submitters, no conflicts (2 of 4 stars). 2 submissions from 2 submitters: Likely benign (2). Last evaluated 2025-03-16.

Conditions:
Long QT syndrome (LQTS). Identifiers: MedGen C0023976, MeSH D008133, MONDO:0002442. Disease mechanism: loss of function. Inheritance: Various modes of inheritance.

Allele frequency attached by ClinVar (database versions not stated): gnomAD exomes 0.00001 and 0.00009; gnomAD 0.00002; TOPMed 0.00002; ExAC 0.00008.
gnomAD v4.1: 12 of 1,591,956 alleles (0.00075%); highest among the groups gnomAD compares: East Asian, 0.025%; no homozygotes.

Submissions (2):

Labcorp Genetics (formerly Invitae), Labcorp
Classification: Likely benign for Long QT syndrome. Last evaluated: 2025-03-16. Review status: criteria provided, single submitter. Criteria: Invitae Variant Classification Sherloc (09022015). Collection method: clinical testing. Allele origin: germline.

GeneDx
Classification: Likely benign. Last evaluated: 2017-10-03. Review status: criteria provided, single submitter. Criteria: GeneDx Variant Classification (06012015). Collection method: clinical testing. Allele origin: germline. Affected: yes.
Comment: This variant is considered likely benign or benign based on one or more of the following criteria: it is a conservative change, it occurs at a poorly conserved position in the protein, it is predicted to be benign by multiple in silico algorithms, and/or has population frequency not consistent with disease.

NM_000218.3(KCNQ1):c.386+9C>A

Gene: KCNQ1 (potassium voltage-gated channel subfamily Q member 1; plus strand). Cytogenetic location: 11p15.5.
Variant type: single nucleotide variant.
Coding change: c.386+9C>A on transcript NM_000218.3 (MANE Select); 9 bases into the intron after coding-DNA position 386, C replaced by A.
Molecular consequence: intron variant.
Genome position (GRCh38, 1-based): chr11:2,445,493, C>A. VCF-style: chr11-2445493-C-A. GRCh37 (hg19) VCF-style: chr11-2466723-C-A.
Identifiers: ClinVar variation 512508 (VCV000512508.10), dbSNP rs766453921, ClinGen allele CA036564.